The following is an entry in ClinVar:

NM_001365999.1(SZT2):c.10262A>G (p.Asn3421Ser)

Gene: SZT2 (SZT2 subunit of KICSTOR complex; plus strand). Cytogenetic location: 1p34.2.
Variant type: single nucleotide variant.
Coding change: c.10262A>G on transcript NM_001365999.1 (MANE Select); coding-DNA position 10262, A replaced by G.
Protein change: p.Asn3421Ser; replaces asparagine 3421 with serine.
Molecular consequence: missense variant.
Genome position (GRCh38, 1-based): chr1:43,450,443, A>G. VCF-style: chr1-43450443-A-G. GRCh37 (hg19) VCF-style: chr1-43916114-A-G.
Other names: c.10091A>G, p.Asn3364Ser (NM_015284.4); short protein forms N3364S, N3421S.
Identifiers: ClinVar variation 977355 (VCV000977355.19), dbSNP rs1458905925, ClinGen allele CA339975141.

ClinVar aggregate classification (germline): Uncertain significance. Review status: criteria provided, multiple submitters, no conflicts (2 of 4 stars). 5 submissions from 5 submitters: Uncertain significance (5). Last evaluated 2026-04-24.

Conditions:
Inborn genetic diseases. Identifiers: MedGen C0950123, MeSH D030342.
Developmental and epileptic encephalopathy, 18 (DEE18). Also called: Early infantile epileptic encephalopathy 18. Identifiers: Orphanet 369894, MedGen C3809624, MONDO:0014201, OMIM 615476.

Allele frequency attached by ClinVar (database versions not stated): gnomAD exomes below 0.00001.
gnomAD v4.1: 7 of 1,614,010 alleles (0.00043%); highest among the groups gnomAD compares: Non-Finnish European, 0.00042%; no homozygotes.

Submissions (5):

Women's Health and Genetics/Laboratory Corporation of America, LabCorp
Classification: Uncertain significance. Last evaluated: 2026-04-24. Review status: criteria provided, single submitter. Criteria: LabCorp Variant Classification Summary - May 2015. Collection method: clinical testing. Allele origin: germline.
Comment: Variant summary: SZT2 c.10091A>G (p.Asn3364Ser) results in a conservative amino acid change in the encoded protein sequence. Algorithms developed to predict the effect of missense changes on protein structure and function all suggest that this variant is likely to be tolerated. The variant allele was found at a frequency of 4e-06 in 251456 control chromosomes. The available data on variant occurrences in the general population are insufficient to allow any conclusion about variant significance. To our knowledge, no occurrence of c.10091A>G in individuals affected with SZT2-related conditions and no experimental evidence demonstrating its impact on protein function have been reported. ClinVar contains an entry for this variant (Variation ID: 977355). Based on the evidence outlined above, the variant was classified as uncertain significance.

Labcorp Genetics (formerly Invitae), Labcorp
Classification: Uncertain significance. Last evaluated: 2024-08-24. Review status: criteria provided, single submitter. Criteria: Invitae Variant Classification Sherloc (09022015). Collection method: clinical testing. Allele origin: germline.
Comment: This sequence change replaces asparagine, which is neutral and polar, with serine, which is neutral and polar, at codon 3364 of the SZT2 protein (p.Asn3364Ser). This variant is present in population databases (no rsID available, gnomAD 0.0009%). This variant has not been reported in the literature in individuals affected with SZT2-related conditions. ClinVar contains an entry for this variant (Variation ID: 977355). Invitae Evidence Modeling of protein sequence and biophysical properties (such as structural, functional, and spatial information, amino acid conservation, physicochemical variation, residue mobility, and thermodynamic stability) indicates that this missense variant is expected to disrupt SZT2 protein function with a positive predictive value of 80%. In summary, the available evidence is currently insufficient to determine the role of this variant in disease. Therefore, it has been classified as a Variant of Uncertain Significance.

Genome-Nilou Lab
Classification: Uncertain significance for Developmental and epileptic encephalopathy, 18. Last evaluated: 2023-04-11. Review status: criteria provided, single submitter. Criteria: ACMG Guidelines, 2015. Collection method: clinical testing. Allele origin: germline. Affected: no.

New York Genome Center
Classification: Uncertain significance for Developmental and epileptic encephalopathy, 18. Last evaluated: 2020-02-25. Review status: criteria provided, single submitter. Criteria: NYGC Assertion Criteria 2020. Collection method: clinical testing. Allele origin: germline. Observed: 1 heterozygote. Study: CSER-NYCKidSeq.

Ambry Genetics
Classification: Uncertain significance for Inborn genetic diseases. Last evaluated: 2017-12-17. Review status: criteria provided, single submitter. Criteria: Ambry Variant Classification Scheme 2023. Collection method: clinical testing. Allele origin: germline.
Comment: The p.N3364S variant (also known as c.10091A>G), located in coding exon 71 of the SZT2 gene, results from an A to G substitution at nucleotide position 10091. The asparagine at codon 3364 is replaced by serine, an amino acid with highly similar properties. This amino acid position is highly conserved in available vertebrate species. In addition, this alteration is predicted to be tolerated by in silico analysis. Since supporting evidence is limited at this time, the clinical significance of this alteration remains unclear.